The following is an entry in ClinVar:

ClinVar aggregate classification (germline): Likely benign (1 of 4 stars; one submission).

Submission:

CeGaT Center for Human Genetics Tuebingen
Classification: Likely benign. Last evaluated: 2026-04-01. Review status: criteria provided, single submitter. Criteria: CeGaT Center For Human Genetics Tuebingen Variant Classification Criteria Version 2. Collection method: clinical testing. Allele origin: germline. Affected: yes. Observed: 1 variant allele.
Comment: ASXL3: BP4, BP7

NM_030632.3(ASXL3):c.6129A>C (p.Pro2043=)

Gene: ASXL3 (ASXL transcriptional regulator 3; plus strand). Cytogenetic location: 18q12.1.
Variant type: single nucleotide variant.
Coding change: c.6129A>C on transcript NM_030632.3 (MANE Select); coding-DNA position 6129, A replaced by C.
Protein change: p.Pro2043=; no amino-acid change (proline 2043 retained).
Molecular consequence: synonymous variant.
Genome position (GRCh38, 1-based): chr18:33,745,977, A>C. VCF-style: chr18-33745977-A-C. GRCh37 (hg19) VCF-style: chr18-31325941-A-C.
Identifiers: ClinVar variation 4872395 (VCV004872395.2).